The following is an entry in ClinVar:

NM_199242.3(UNC13D):c.2815C>T (p.Pro939Ser)

Genes: UNC13D (unc-13 homolog D; minus strand), LOC112533672 (Sharpr-MPRA regulatory region 1193; plus strand). Cytogenetic location: 17q25.1.
Variant type: single nucleotide variant.
Coding change: c.2815C>T on transcript NM_199242.3 (MANE Select); coding-DNA position 2815, C replaced by T.
Protein change: p.Pro939Ser; replaces proline 939 with serine.
Molecular consequence: missense variant.
Genome position (GRCh38, 1-based): chr17:75,830,377, G>A on the plus strand (C>T on the coding strand, the complement: UNC13D is on the minus strand). VCF-style: chr17-75830377-G-A. GRCh37 (hg19) VCF-style: chr17-73826458-G-A.
Other names: short protein forms P939S.
Identifiers: ClinVar variation 1909258 (VCV001909258.3), dbSNP rs866919867, ClinGen allele CA294084527.

ClinVar aggregate classification (germline): Uncertain significance (1 of 4 stars; one submission).

Conditions:
Familial hemophagocytic lymphohistiocytosis 3 (FHL3). Also called: UNC13D-Related Familial Hemophagocytic Lymphohistiocytosis (UNC13D-fHLH). Identifiers: Orphanet 540, MedGen C1837174, MONDO:0012146, OMIM 608898.

Submission:

Labcorp Genetics (formerly Invitae), Labcorp
Classification: Uncertain significance for Familial hemophagocytic lymphohistiocytosis 3. Last evaluated: 2021-11-29. Review status: criteria provided, single submitter. Criteria: Invitae Variant Classification Sherloc (09022015). Collection method: clinical testing. Allele origin: germline.
Comment: In summary, the available evidence is currently insufficient to determine the role of this variant in disease. Therefore, it has been classified as a Variant of Uncertain Significance. Algorithms developed to predict the effect of missense changes on protein structure and function are either unavailable or do not agree on the potential impact of this missense change (SIFT: "Not Available"; PolyPhen-2: "Probably Damaging"; Align-GVGD: "Not Available"). This variant has not been reported in the literature in individuals affected with UNC13D-related conditions. This variant is not present in population databases (gnomAD no frequency). This sequence change replaces proline, which is neutral and non-polar, with serine, which is neutral and polar, at codon 939 of the UNC13D protein (p.Pro939Ser).